The following is an entry in ClinVar:

NC_000002.12:g.121530993G>T

Genes: CLASP1 (cytoplasmic linker associated protein 1; minus strand), CLASP1-AS1 (CLASP1 antisense RNA 1; plus strand), RNU4ATAC (RNA, U4atac small nuclear; plus strand). Cytogenetic location: 2q14.2.
Variant type: single nucleotide variant.
Molecular consequence: intron variant (on NM_001395891.1).
Genome position: GRCh38 VCF-style: chr2-121530993-G-T. GRCh37 (hg19) VCF-style: chr2-122288569-G-T.
Other names: c.196-668C>A (NM_001142274.2, NM_015282.3, NM_001378003.1 and 5 more transcripts).
Identifiers: ClinVar variation 1490995 (VCV001490995.6), dbSNP rs558667045, ClinGen allele CA428888204.

ClinVar aggregate classification (germline): Uncertain significance (1 of 4 stars; one submission).

Submission:

Labcorp Genetics (formerly Invitae), Labcorp
Classification: Uncertain significance. Last evaluated: 2021-08-27. Review status: criteria provided, single submitter. Criteria: Invitae Variant Classification Sherloc (09022015). Collection method: clinical testing. Allele origin: germline.
Comment: This variant has not been reported in the literature in individuals affected with RNU4ATAC-related conditions. In summary, the available evidence is currently insufficient to determine the role of this variant in disease. Therefore, it has been classified as a Variant of Uncertain Significance. Experimental studies and prediction algorithms are not available or were not evaluated, and the functional significance of this variant is currently unknown. The frequency data for this variant in the population databases is considered unreliable, as metrics indicate insufficient coverage at this position in the ExAC database. This variant occurs in the RNU4ATAC gene, which encodes an RNA molecule that does not result in a protein product.